The following is an entry in ClinVar:

NM_020800.3(IFT80):c.2245A>G (p.Ile749Val)

Genes: TRIM59-IFT80 (TRIM59-IFT80 readthrough (NMD candidate); minus strand), IFT80 (intraflagellar transport 80; minus strand). Cytogenetic location: 3q25.33.
Variant type: single nucleotide variant.
Coding change: c.2245A>G on transcript NM_020800.3 (MANE Select); coding-DNA position 2245, A replaced by G.
Protein change: p.Ile749Val; replaces isoleucine 749 with valine.
Molecular consequence: missense variant. On other transcripts: non-coding transcript variant (3).
Genome position (GRCh38, 1-based): chr3:160,258,614, T>C on the plus strand (A>G on the coding strand, the complement: IFT80 is on the minus strand). VCF-style: chr3-160258614-T-C. GRCh37 (hg19) VCF-style: chr3-159976402-T-C.
Other names: c.1834A>G, p.Ile612Val (NM_001190241.2, NM_001190242.2); short protein forms I612V, I749V.
Identifiers: ClinVar variation 956555 (VCV000956555.8), dbSNP rs891421267, ClinGen allele CA87069757.
Genomic context (GRCh38, chr3:160,258,614, plus strand): 5'-ATTGGCTGCTTGATGATTGCTCTCTTTCTTTTGTAATTTCCATCTCAATTTTGGCTTTGA[T>C]TTTCTCCCAATCTATTTGGAGCTGCAATAGAAAAAAAAAAGAAGAAATATGCTTAGATAG-3'
Protein context (NP_065851.1, residues 739-759): AEGLQIDWEK[Ile749Val]KAKIEMEITK

ClinVar aggregate classification (germline): Uncertain significance (1 of 4 stars; one submission).

Conditions:
Jeune thoracic dystrophy. Also called: Short-rib thoracic dysplasia; Jeune syndrome; Infantile thoracic dystrophy; Thoracic pelvic phalangeal dystrophy; Jeune's syndrome; Chondroectodermal dysplasia-like syndrome. Identifiers: Orphanet 474, MedGen C0265275, MONDO:0018770.

Allele frequency attached by ClinVar (database versions not stated): gnomAD exomes below 0.00001; TOPMed below 0.00001; gnomAD 0.00001.
gnomAD v4.1: 2 of 1,612,342 alleles (0.00012%); highest among the groups gnomAD compares: Non-Finnish European, 0.00017%; no homozygotes.

Submission:

Labcorp Genetics (formerly Invitae), Labcorp
Classification: Uncertain significance for Jeune thoracic dystrophy. Last evaluated: 2024-03-19. Review status: criteria provided, single submitter. Criteria: Invitae Variant Classification Sherloc (09022015). Collection method: clinical testing. Allele origin: germline.
Comment: This sequence change replaces isoleucine, which is neutral and non-polar, with valine, which is neutral and non-polar, at codon 749 of the IFT80 protein (p.Ile749Val). This variant is present in population databases (no rsID available, gnomAD 0.007%). This variant has not been reported in the literature in individuals affected with IFT80-related conditions. ClinVar contains an entry for this variant (Variation ID: 956555). Advanced modeling of protein sequence and biophysical properties (such as structural, functional, and spatial information, amino acid conservation, physicochemical variation, residue mobility, and thermodynamic stability) performed at Invitae indicates that this missense variant is not expected to disrupt IFT80 protein function with a negative predictive value of 80%. In summary, the available evidence is currently insufficient to determine the role of this variant in disease. Therefore, it has been classified as a Variant of Uncertain Significance.